The following is an entry in ClinVar:

NM_000433.4(NCF2):c.1437G>T (p.Gln479His)

Gene: NCF2 (neutrophil cytosolic factor 2; minus strand). Cytogenetic location: 1q25.3.
Variant type: single nucleotide variant.
Coding change: c.1437G>T on transcript NM_000433.4 (MANE Select); coding-DNA position 1437, G replaced by T.
Protein change: p.Gln479His; replaces glutamine 479 with histidine.
Molecular consequence: missense variant.
Genome position (GRCh38, 1-based): chr1:183,560,127, C>A on the plus strand (G>T on the coding strand, the complement: NCF2 is on the minus strand). VCF-style: chr1-183560127-C-A. GRCh37 (hg19) VCF-style: chr1-183529262-C-A.
Other names: c.1437G>T, p.Gln479His (NM_001127651.3); c.1194G>T, p.Gln398His (NM_001190789.2); c.1302G>T, p.Gln434His (NM_001190794.2); c.1329G>T, p.Gln443His (NM_001410895.1); short protein forms Q434H, Q398H, Q479H, Q443H.
Identifiers: ClinVar variation 2123017 (VCV002123017.4), dbSNP rs1451425447, ClinGen allele CA343703561.

ClinVar aggregate classification (germline): Uncertain significance (1 of 4 stars; one submission).

Conditions:
Granulomatous disease, chronic, autosomal recessive, cytochrome b-positive, type 2. Also called: CGD, AUTOSOMAL RECESSIVE CYTOCHROME b-POSITIVE, TYPE II; GRANULOMATOUS DISEASE, CHRONIC, DUE TO NCF2 DEFICIENCY; Chronic granulomatous disease due to deficiency of NCF-2; Chronic Granulomatous Disease, Autosomal Recessive, Cytochrome b-Positive, Type II; GRANULOMATOUS DISEASE, CHRONIC, AUTOSOMAL RECESSIVE, 2. Identifiers: Orphanet 379, MedGen C1856245, MONDO:0009310, OMIM 233710.

Submission:

Labcorp Genetics (formerly Invitae), Labcorp
Classification: Uncertain significance for Granulomatous disease, chronic, autosomal recessive, cytochrome b-positive, type 2. Last evaluated: 2022-04-08. Review status: criteria provided, single submitter. Criteria: Invitae Variant Classification Sherloc (09022015). Collection method: clinical testing. Allele origin: germline.
Comment: This sequence change replaces glutamine, which is neutral and polar, with histidine, which is basic and polar, at codon 479 of the NCF2 protein (p.Gln479His). This variant is not present in population databases (gnomAD no frequency). This variant has not been reported in the literature in individuals affected with NCF2-related conditions. Algorithms developed to predict the effect of missense changes on protein structure and function are either unavailable or do not agree on the potential impact of this missense change (SIFT: "Tolerated"; PolyPhen-2: "Possibly Damaging"; Align-GVGD: "Class C0"). In summary, the available evidence is currently insufficient to determine the role of this variant in disease. Therefore, it has been classified as a Variant of Uncertain Significance.